The following is an entry in ClinVar:

NM_001385012.1(NBEA):c.7491G>A (p.Trp2497Ter)

Gene: NBEA (neurobeachin; plus strand). Cytogenetic location: 13q13.3.
Variant type: single nucleotide variant.
Coding change: c.7491G>A on transcript NM_001385012.1 (MANE Select); coding-DNA position 7491, G replaced by A.
Protein change: p.Trp2497Ter; replaces tryptophan 2497 with a stop codon.
Molecular consequence: nonsense.
Genome position (GRCh38, 1-based): chr13:35,628,122, G>A. VCF-style: chr13-35628122-G-A. GRCh37 (hg19) VCF-style: chr13-36202259-G-A.
Other names: c.870G>A, p.Trp290Ter (NM_001204197.3); c.7482G>A, p.Trp2494Ter (NM_001379245.1); c.7491G>A, p.Trp2497Ter (NM_015678.5); short protein forms W2494*, W2497*, W290*.
Identifiers: ClinVar variation 4531456 (VCV004531456.1).

ClinVar aggregate classification (germline): Pathogenic (1 of 4 stars; one submission).

Conditions:
Neurodevelopmental disorder with or without early-onset generalized epilepsy. Identifiers: MedGen C5436914, MONDO:0030930, OMIM 619157.

Submission:

Victorian Clinical Genetics Services, Murdoch Childrens Research Institute
Classification: Pathogenic for Neurodevelopmental disorder with or without early-onset generalized epilepsy. Last evaluated: 2024-12-30. Review status: criteria provided, single submitter. Criteria: ACMG Guidelines, 2015. Collection method: clinical testing. Allele origin: germline. Affected: yes.
Comment: This variant is classified as Pathogenic. Evidence in support of pathogenic classification: Variant is predicted to cause nonsense-mediated decay (NMD) and loss of protein (premature termination codon is located at least 54 nucleotides upstream of the final exon-exon junction); Variant is absent from gnomAD (v2, v3 and v4); Other NMD-predicted variant(s) comparable to the one identified in this case have very strong previous evidence for pathogenicity (DECIPHER); Additional information: This variant is heterozygous; This gene is associated with autosomal dominant disease; Loss of function is a known mechanism of disease in this gene and is associated with neurodevelopmental disorder with or without early-onset generalised epilepsy (MIM#619157).